The following is an entry in ClinVar:

NM_206933.4(USH2A):c.3933G>A (p.Ser1311=)

Genes: USH2A (usherin; minus strand), USH2A-AS1 (USH2A antisense RNA 1; plus strand). Cytogenetic location: 1q41.
Variant type: single nucleotide variant.
Coding change: c.3933G>A on transcript NM_206933.4 (MANE Select); coding-DNA position 3933, G replaced by A.
Protein change: p.Ser1311=; no amino-acid change (serine 1311 retained).
Molecular consequence: synonymous variant.
Genome position (GRCh38, 1-based): chr1:216,198,463, C>T on the plus strand (G>A on the coding strand, the complement: USH2A is on the minus strand). VCF-style: chr1-216198463-C-T. GRCh37 (hg19) VCF-style: chr1-216371805-C-T.
Other names: c.3933G>A, p.Ser1311= (NM_007123.6).
Identifiers: ClinVar variation 754781 (VCV000754781.15), dbSNP rs560861284, ClinGen allele CA1395868.

ClinVar aggregate classification (germline): Likely benign. Review status: criteria provided, multiple submitters, no conflicts (2 of 4 stars). 5 submissions from 5 submitters: Likely benign (4). 1 of the submissions does not count toward it. Last evaluated 2026-09-15.

Conditions:
Retinal dystrophy. Also called: Inherited retinal dystrophy. Identifiers: Orphanet 71862, MedGen C0854723, MeSH D058499, MONDO:0019118, HP:0000556.
Usher syndrome type 2A. Also called: RETINAL DISEASE IN USHER SYNDROME TYPE IIA, MODIFIER OF; USHER SYNDROME, TYPE IIA. Identifiers: Orphanet 231178, Orphanet 886, MedGen C1848634, MONDO:0010169, OMIM 276901.
USH2A-related disorder. Also called: USH2A-related condition; USH2A-related disorders. Identifiers: MedGen CN239332.

Allele frequency attached by ClinVar (database versions not stated): gnomAD 0.00001; TOPMed 0.00001; gnomAD exomes 0.00003; 1000 Genomes Project 30x 0.00016; 1000 Genomes Project 0.00020.
gnomAD v4.1: 52 of 1,613,894 alleles (0.0032%); highest among the groups gnomAD compares: South Asian, 0.026%; no homozygotes.

Submissions (5):

PreventionGenetics, part of Exact Sciences
Classification: Likely benign for USH2A-related condition. Last evaluated: 2026-09-15. Review status: criteria provided, single submitter. Criteria: ACMG Guidelines, 2015. Collection method: clinical testing. Allele origin: germline.
Comment: This variant is classified as likely benign based on ACMG/AMP sequence variant interpretation guidelines (Richards et al. 2015 PMID: 25741868, with internal and published modifications).

Labcorp Genetics (formerly Invitae), Labcorp
Classification: Likely benign. Last evaluated: 2025-07-29. Review status: criteria provided, single submitter. Criteria: Invitae Variant Classification Sherloc (09022015). Collection method: clinical testing. Allele origin: germline.

Blueprint Genetics
Classification: Likely benign. Last evaluated: 2024-07-11. Review status: criteria provided, single submitter. Criteria: ACMG Guidelines, 2015. Collection method: clinical testing. Allele origin: germline.

Dept Of Ophthalmology, Nagoya University
Classification: Likely benign for Retinal dystrophy. Last evaluated: 2023-10-01. Review status: criteria provided, single submitter. Criteria: Submitter's publication. Collection method: research. Allele origin: germline. Affected: yes.

Natera, Inc.
Classification: Uncertain significance for Usher syndrome type 2A. Last evaluated: 2020-07-02. Review status: no assertion criteria provided. Collection method: clinical testing. Allele origin: germline. Not counted in ClinVar's aggregate classification.